The following is an entry in ClinVar:

NM_001369268.1(ACAN):c.1975C>G (p.Gln659Glu)

Gene: ACAN (aggrecan; plus strand). Cytogenetic location: 15q26.1.
Variant type: single nucleotide variant.
Coding change: c.1975C>G on transcript NM_001369268.1 (MANE Select); coding-DNA position 1975, C replaced by G.
Protein change: p.Gln659Glu; replaces glutamine 659 with glutamic acid.
Molecular consequence: missense variant.
Genome position (GRCh38, 1-based): chr15:88,849,680, C>G. VCF-style: chr15-88849680-C-G. GRCh37 (hg19) VCF-style: chr15-89392911-C-G.
Other names: c.1975C>G, p.Gln659Glu (NM_001135.4, NM_013227.4); short protein forms Q659E.
Identifiers: ClinVar variation 782889 (VCV000782889.16), dbSNP rs181923062, ClinGen allele CA7719744.

ClinVar aggregate classification (germline): Conflicting classifications of pathogenicity. Review status: criteria provided, conflicting classifications (1 of 4 stars). 4 submissions from 4 submitters: Uncertain significance (1); Likely benign (2). 1 of the submissions does not count toward it. Last evaluated 2026-01-08.

Conditions:
ACAN-related disorder. Also called: ACAN-related condition; ACAN-related disorders.

Allele frequency attached by ClinVar (database versions not stated): gnomAD exomes 0.00004 and 0.00034; gnomAD 0.00011 and 0.00012; 1000 Genomes Project 30x 0.00016; 1000 Genomes Project 0.00020; TOPMed 0.00020; ExAC 0.00032.
gnomAD v4.1: 132 of 1,613,872 alleles (0.0082%); highest among the groups gnomAD compares: East Asian, 0.14%; no homozygotes.

Submissions (4):

Labcorp Genetics (formerly Invitae), Labcorp
Classification: Likely benign. Last evaluated: 2026-01-08. Review status: criteria provided, single submitter. Criteria: Invitae Variant Classification Sherloc (09022015). Collection method: clinical testing. Allele origin: germline.

Women's Health and Genetics/Laboratory Corporation of America, LabCorp
Classification: Likely benign. Last evaluated: 2025-04-14. Review status: criteria provided, single submitter. Criteria: LabCorp Variant Classification Summary - May 2015. Collection method: clinical testing. Allele origin: germline.
Comment: Variant summary: ACAN c.1975C>G (p.Gln659Glu) results in a conservative amino acid change located in the Link domain (IPR000538) of the encoded protein sequence. Three of five in-silico tools predict a benign effect of the variant on protein function. The variant allele was found at a frequency of 0.00034 in 247036 control chromosomes, predominantly at a frequency of 0.0041 within the East Asian subpopulation in the gnomAD database, including 1 homozygote. The observed variant frequency within East Asian control individuals in the gnomAD database exceeds the estimated maximal expected allele frequency for a pathogenic variant in ACAN causing ACAN-Related Disorders phenotype. To our knowledge, no occurrence of c.1975C>G in individuals affected with ACAN-Related Disorders and no experimental evidence demonstrating its impact on protein function have been reported. ClinVar contains an entry for this variant (Variation ID: 782889). Based on the evidence outlined above, the variant was classified as likely benign.

Blueprint Genetics
Classification: Uncertain significance. Last evaluated: 2024-02-13. Review status: criteria provided, single submitter. Criteria: ACMG Guidelines, 2015. Collection method: clinical testing. Allele origin: germline.

PreventionGenetics, part of Exact Sciences
Classification: Likely benign for ACAN-related condition. Last evaluated: 2019-08-08. Review status: no assertion criteria provided. Collection method: clinical testing. Allele origin: germline. Not counted in ClinVar's aggregate classification.
Comment: This variant is classified as likely benign based on ACMG/AMP sequence variant interpretation guidelines (Richards et al. 2015 PMID: 25741868, with internal and published modifications).